The following is an entry in ClinVar:

NM_001378454.1(ALMS1):c.1106T>C (p.Val369Ala)

Gene: ALMS1 (ALMS1 centrosome and basal body associated protein; plus strand). Cytogenetic location: 2p13.1.
Variant type: single nucleotide variant.
Coding change: c.1106T>C on transcript NM_001378454.1 (MANE Select); coding-DNA position 1106, T replaced by C.
Protein change: p.Val369Ala; replaces valine 369 with alanine.
Molecular consequence: missense variant.
Genome position (GRCh38, 1-based): chr2:73,424,771, T>C. VCF-style: chr2-73424771-T-C. GRCh37 (hg19) VCF-style: chr2-73651899-T-C.
Other names: c.1109T>C, p.Val370Ala (NM_015120.4); short protein forms V369A, V370A.
Identifiers: ClinVar variation 2420044 (VCV002420044.3), dbSNP rs748293069, ClinGen allele CA1713048.

ClinVar aggregate classification (germline): Uncertain significance (1 of 4 stars; one submission).

Conditions:
Alstrom syndrome (ALMS). Identifiers: Orphanet 64, MedGen C0268425, MONDO:0008763, OMIM 203800.

Allele frequency attached by ClinVar (database versions not stated): gnomAD 0.00001; ExAC 0.00002.
gnomAD v4.1: 7 of 1,613,714 alleles (0.00043%); highest among the groups gnomAD compares: South Asian, 0.0077%; no homozygotes.

Submission:

Labcorp Genetics (formerly Invitae), Labcorp
Classification: Uncertain significance for Alstrom syndrome. Last evaluated: 2022-07-04. Review status: criteria provided, single submitter. Criteria: Invitae Variant Classification Sherloc (09022015). Collection method: clinical testing. Allele origin: germline.
Comment: This sequence change replaces valine, which is neutral and non-polar, with alanine, which is neutral and non-polar, at codon 370 of the ALMS1 protein (p.Val370Ala). This variant is present in population databases (rs748293069, gnomAD 0.007%). This variant has not been reported in the literature in individuals affected with ALMS1-related conditions. Experimental studies and prediction algorithms are not available or were not evaluated, and the functional significance of this variant is currently unknown. In summary, the available evidence is currently insufficient to determine the role of this variant in disease. Therefore, it has been classified as a Variant of Uncertain Significance.